The following is an entry in ClinVar:

ClinVar aggregate classification (germline): Uncertain significance. Review status: criteria provided, multiple submitters, no conflicts (2 of 4 stars). 2 submissions from 2 submitters: Uncertain significance (2). Last evaluated 2025-11-11.

Conditions:
Primary ciliary dyskinesia. Also called: Ciliary dyskinesia. Identifiers: Orphanet 244, MedGen C0008780, MONDO:0016575, HP:0012265.
Primary ciliary dyskinesia 6. Also called: Primary Ciliary Dyskinesia 6: TXNDC3-Related Primary Ciliary Dyskinesia. Identifiers: Orphanet 244, MedGen C1970506, MONDO:0012571, OMIM 610852.

Allele frequency attached by ClinVar (database versions not stated): gnomAD 0.00001; gnomAD exomes 0.00001; TOPMed 0.00001.
gnomAD v4.1: 40 of 1,611,470 alleles (0.0025%); highest among the groups gnomAD compares: Non-Finnish European, 0.0031%; no homozygotes.

Submissions (2):

Ambry Genetics
Classification: Uncertain significance for Primary ciliary dyskinesia. Last evaluated: 2025-11-11. Review status: criteria provided, single submitter. Criteria: Ambry Variant Classification Scheme 2023. Collection method: clinical testing. Allele origin: germline.

Labcorp Genetics (formerly Invitae), Labcorp
Classification: Uncertain significance for Primary ciliary dyskinesia 6. Last evaluated: 2025-02-16. Review status: criteria provided, single submitter. Criteria: Invitae Variant Classification Sherloc (09022015). Collection method: clinical testing. Allele origin: germline.
Comment: This sequence change replaces alanine, which is neutral and non-polar, with glycine, which is neutral and non-polar, at codon 122 of the NME8 protein (p.Ala122Gly). This variant is present in population databases (no rsID available, gnomAD 0.002%). This variant has not been reported in the literature in individuals affected with NME8-related conditions. ClinVar contains an entry for this variant (Variation ID: 1019571). Invitae Evidence Modeling of protein sequence and biophysical properties (such as structural, functional, and spatial information, amino acid conservation, physicochemical variation, residue mobility, and thermodynamic stability) has been performed for this missense variant. However, the output from this modeling did not meet the statistical confidence thresholds required to predict the impact of this variant on NME8 protein function. In summary, the available evidence is currently insufficient to determine the role of this variant in disease. Therefore, it has been classified as a Variant of Uncertain Significance.

NM_016616.5(NME8):c.365C>G (p.Ala122Gly)

Gene: NME8 (NME/NM23 family member 8; plus strand). Cytogenetic location: 7p14.1.
Variant type: single nucleotide variant.
Coding change: c.365C>G on transcript NM_016616.5 (MANE Select); coding-DNA position 365, C replaced by G.
Protein change: p.Ala122Gly; replaces alanine 122 with glycine.
Molecular consequence: missense variant.
Genome position (GRCh38, 1-based): chr7:37,862,122, C>G. VCF-style: chr7-37862122-C-G. GRCh37 (hg19) VCF-style: chr7-37901724-C-G.
Other names: short protein forms A122G.
Identifiers: ClinVar variation 1019571 (VCV001019571.11), dbSNP rs968749440, ClinGen allele CA157152167.